The following is an entry in ClinVar:

ClinVar aggregate classification (germline): Uncertain significance. Review status: criteria provided, multiple submitters, no conflicts (2 of 4 stars). 3 submissions from 3 submitters: Uncertain significance (3). Last evaluated 2025-01-30.

Conditions:
Fanconi anemia complementation group Q. Identifiers: Orphanet 84, MedGen C3808988, MONDO:0014108, OMIM 615272.
Xeroderma pigmentosum, group F (XPF). Also called: XERODERMA PIGMENTOSUM, COMPLEMENTATION GROUP F; XERODERMA PIGMENTOSUM VI; XP, GROUP F; ERCC4-Related Xeroderma Pigmentosum; XERODERMA PIGMENTOSUM, TYPE F; Xeroderma pigmentosum, type 6. Identifiers: MedGen C0268140, MONDO:0010215, OMIM 278760.
Cockayne syndrome. Identifiers: Orphanet 191, MedGen C0009207, MONDO:0016006.

Allele frequency attached by ClinVar (database versions not stated): gnomAD exomes 0.00001 and 0.00008; gnomAD 0.00003 and 0.00004; TOPMed 0.00003; ESP Exome Variant Server 0.00008.
gnomAD v4.1: 119 of 1,611,824 alleles (0.0074%); highest among the groups gnomAD compares: Non-Finnish European, 0.0094%; no homozygotes.

Submissions (3):

Labcorp Genetics (formerly Invitae), Labcorp
Classification: Uncertain significance for Fanconi anemia complementation group Q; Xeroderma pigmentosum, group F; Cockayne syndrome. Last evaluated: 2025-01-30. Review status: criteria provided, single submitter. Criteria: Invitae Variant Classification Sherloc (09022015). Collection method: clinical testing. Allele origin: germline.
Comment: This sequence change replaces serine, which is neutral and polar, with arginine, which is basic and polar, at codon 639 of the ERCC4 protein (p.Ser639Arg). This variant is present in population databases (rs377213481, gnomAD 0.003%). This variant has not been reported in the literature in individuals affected with ERCC4-related conditions. ClinVar contains an entry for this variant (Variation ID: 888104). Invitae Evidence Modeling of protein sequence and biophysical properties (such as structural, functional, and spatial information, amino acid conservation, physicochemical variation, residue mobility, and thermodynamic stability) indicates that this missense variant is not expected to disrupt ERCC4 protein function with a negative predictive value of 80%. In summary, the available evidence is currently insufficient to determine the role of this variant in disease. Therefore, it has been classified as a Variant of Uncertain Significance.

St. Jude Molecular Pathology, St. Jude Children's Research Hospital
Classification: Uncertain significance for Fanconi anemia complementation group Q. Last evaluated: 2023-12-14. Review status: criteria provided, single submitter. Criteria: St. Jude Assertion Criteria 2020. Collection method: clinical testing. Allele origin: germline.
Comment: The ERCC4 c.1917C>A (p.Ser639Arg) missense change has a maximum subpopulation frequency of 0.0026% in gnomAD v2.1.1. The in silico tool REVEL predicts a benign effect on protein function, but to our knowledge this prediction has not been confirmed by functional studies. To our knowledge, this variant has not been reported in individuals with Fanconi anemia or Xeroderma pigmentosum. In summary, the evidence currently available is insufficient to determine the clinical significance of this variant. It has therefore been classified as of uncertain significance.

Illumina Laboratory Services, Illumina
Classification: Uncertain significance for Xeroderma pigmentosum, group F. Last evaluated: 2018-01-13. Review status: criteria provided, single submitter. Criteria: ICSL Variant Classification Criteria 13 December 2019. Collection method: clinical testing. Allele origin: germline.

NM_005236.3(ERCC4):c.1917C>A (p.Ser639Arg)

Gene: ERCC4 (ERCC excision repair 4, endonuclease catalytic subunit; plus strand). Cytogenetic location: 16p13.12.
Variant type: single nucleotide variant.
Coding change: c.1917C>A on transcript NM_005236.3 (MANE Select); coding-DNA position 1917, C replaced by A.
Protein change: p.Ser639Arg; replaces serine 639 with arginine.
Molecular consequence: missense variant.
Genome position (GRCh38, 1-based): chr16:13,944,735, C>A. VCF-style: chr16-13944735-C-A. GRCh37 (hg19) VCF-style: chr16-14038592-C-A.
Other names: short protein forms S639R.
Identifiers: ClinVar variation 888104 (VCV000888104.7), dbSNP rs377213481, ClinGen allele CA278482441.